The following is an entry in ClinVar:

NM_000038.6(APC):c.1878A>G (p.Thr626=)

Gene: APC (APC regulator of Wnt signaling pathway; plus strand). Cytogenetic location: 5q22.2.
Variant type: single nucleotide variant.
Coding change: c.1878A>G on transcript NM_000038.6 (MANE Select); coding-DNA position 1878, A replaced by G.
Protein change: p.Thr626=; no amino-acid change (threonine 626 retained).
Molecular consequence: synonymous variant.
Genome position (GRCh38, 1-based): chr5:112,835,085, A>G. VCF-style: chr5-112835085-A-G. GRCh37 (hg19) VCF-style: chr5-112170782-A-G.
Other names: c.1878A>G, p.Thr626= (NM_001127510.3, NM_001354895.2); c.1824A>G, p.Thr608= (NM_001127511.3); c.1932A>G, p.Thr644= (NM_001354896.2); c.1908A>G, p.Thr636= (NM_001354897.2); c.1803A>G, p.Thr601= (NM_001354898.2); c.1794A>G, p.Thr598= (NM_001354899.2); c.1755A>G, p.Thr585= (NM_001354900.2); c.1701A>G, p.Thr567= (NM_001354901.2); and 5 more.
Identifiers: ClinVar variation 1653955 (VCV001653955.10), dbSNP rs2149843208, ClinGen allele CA445758897.

ClinVar aggregate classification (germline): Benign/Likely benign. Review status: criteria provided, multiple submitters, no conflicts (2 of 4 stars). 3 submissions from 3 submitters: Benign (1); Likely benign (2). Last evaluated 2024-03-07.

Conditions:
Hereditary cancer-predisposing syndrome. Also called: Neoplastic Syndromes, Hereditary; Hereditary Cancer Syndrome; Hereditary neoplastic syndrome; Tumor predisposition. Identifiers: Orphanet 140162, MedGen C0027672, MeSH D009386, MONDO:0015356.
Familial adenomatous polyposis 1 (FAP1). Also called: POLYPOSIS, ADENOMATOUS INTESTINAL; FAMILIAL ADENOMATOUS POLYPOSIS 1, ATTENUATED. Identifiers: MedGen C2713442, MONDO:0021056, OMIM 175100. Disease mechanism: loss of function.

gnomAD v4.1: 1 of 1,614,174 alleles (0.000062%); highest among the groups gnomAD compares: Middle Eastern, 0.017%; no homozygotes.

Submissions (3):

Myriad Genetics, Inc.
Classification: Benign for Familial adenomatous polyposis 1. Last evaluated: 2024-03-07. Review status: criteria provided, single submitter. Criteria: Myriad Autosomal Dominant, Autosomal Recessive and X-Linked Classification Criteria (2023). Collection method: clinical testing. Allele origin: unknown.
Comment: This variant is considered benign. This variant is a silent/synonymous amino acid change and it is not expected to impact splicing.

Labcorp Genetics (formerly Invitae), Labcorp
Classification: Likely benign for Familial adenomatous polyposis 1. Last evaluated: 2022-10-15. Review status: criteria provided, single submitter. Criteria: Invitae Variant Classification Sherloc (09022015). Collection method: clinical testing. Allele origin: germline.

Ambry Genetics
Classification: Likely benign for Hereditary cancer-predisposing syndrome. Last evaluated: 2019-08-16. Review status: criteria provided, single submitter. Criteria: Ambry Variant Classification Scheme 2023. Collection method: clinical testing. Allele origin: germline.